The following is an entry in ClinVar:

NM_006767.4(LZTR1):c.2311C>T (p.Gln771Ter)

Gene: LZTR1 (leucine zipper like post translational regulator 1; plus strand). Cytogenetic location: 22q11.21.
Variant type: single nucleotide variant.
Coding change: c.2311C>T on transcript NM_006767.4 (MANE Select); coding-DNA position 2311, C replaced by T.
Protein change: p.Gln771Ter; replaces glutamine 771 with a stop codon.
Molecular consequence: nonsense.
Genome position (GRCh38, 1-based): chr22:20,996,787, C>T. VCF-style: chr22-20996787-C-T. GRCh37 (hg19) VCF-style: chr22-21351076-C-T.
Other names: short protein forms Q771*.
Identifiers: ClinVar variation 5038363 (VCV005038363.1).
Genomic context (GRCh38, chr22:20,996,787, plus strand): 5'-TTCTACAACAACCGGCTGCAGGCGTACTGCAAGCAGAACCTGGAGATGAACGTGACGGTG[C>T]AGAACGTGCTGCAGGTAGCCCCCCAGCCCCGTGCACATGGCTGCAGCTCCCACTGAGTGG-3'

ClinVar aggregate classification (germline): Pathogenic (1 of 4 stars; one submission).

Conditions:
Noonan syndrome 10 (NS10). Identifiers: Orphanet 648, MedGen C4225280, MONDO:0014693, OMIM 616564.

gnomAD v4.1: 1 of 1,613,654 alleles (0.000062%); highest among the groups gnomAD compares: South Asian, 0.0011%; no homozygotes.

Submission:

St. Jude Molecular Pathology, St. Jude Children's Research Hospital
Classification: Pathogenic for Noonan syndrome 10. Last evaluated: 2026-10-01. Review status: criteria provided, single submitter. Criteria: St. Jude Assertion Criteria 2020. Collection method: clinical testing. Allele origin: germline.
Comment: The LZTR1 c.2311C>T p.(Gln771Ter) change i s a nonsense variant that is predicted to cause premature protein truncation or absence of protein due to nonsense-mediated decay. To our knowledge, this variant has not been reported in individuals with Noonan syndrome or schwannomatosis. This variant i s absent in gnomAD v2.1.1. In summary, this variant meets criteria to be classified as pathogenic.